The following is an entry in ClinVar:

NM_001358530.2(MOCS1):c.1016G>A (p.Arg339Gln)

Gene: MOCS1 (molybdenum cofactor synthesis 1; minus strand). Cytogenetic location: 6p21.2.
Variant type: single nucleotide variant.
Coding change: c.1016G>A on transcript NM_001358530.2 (MANE Select); coding-DNA position 1016, G replaced by A.
Protein change: p.Arg339Gln; replaces arginine 339 with glutamine.
Molecular consequence: missense variant. On other transcripts: non-coding transcript variant (1).
Genome position (GRCh38, 1-based): chr6:39,909,921, C>T on the plus strand (G>A on the coding strand, the complement: MOCS1 is on the minus strand). VCF-style: chr6-39909921-C-T. GRCh37 (hg19) VCF-style: chr6-39877665-C-T.
Other names: c.1016G>A (NM_005943.5); c.1016G>A, p.Arg339Gln (NM_001075098.4, NM_001358529.2, NM_005943.6); c.755G>A, p.Arg252Gln (NM_001358531.2, NM_001358533.2, NM_001358534.2); short protein forms R252Q, R339Q.
Identifiers: ClinVar variation 644407 (VCV000644407.9), dbSNP rs142478972, ClinGen allele CA3796074.

ClinVar aggregate classification (germline): Conflicting classifications of pathogenicity. Review status: criteria provided, conflicting classifications (1 of 4 stars). 4 submissions from 4 submitters: Uncertain significance (3); Likely benign (1). Last evaluated 2025-06-18.

Conditions:
Inborn genetic diseases. Identifiers: MedGen C0950123, MeSH D030342.
Sulfite oxidase deficiency due to molybdenum cofactor deficiency type A. Also called: Molybdenum cofactor deficiency, complementation group A; Molybdenum Cofactor Deficiency A. Identifiers: Orphanet 308386, Orphanet 833, MedGen C1854988, MONDO:0009643, OMIM 252150.

Allele frequency attached by ClinVar (database versions not stated): TOPMed 0.00021; ExAC 0.00009; ESP Exome Variant Server 0.00015; gnomAD exomes 0.00015 and 0.00004; 1000 Genomes Project 30x 0.00016; gnomAD 0.00026 and 0.00027; 1000 Genomes Project 0.00020.
gnomAD v4.1: 99 of 1,613,802 alleles (0.0061%); highest among the groups gnomAD compares: African/African-American, 0.065%; no homozygotes.

Submissions (6):

Ambry Genetics
Classification: Uncertain significance for Inborn genetic diseases. Last evaluated: 2025-06-18. Review status: criteria provided, single submitter. Criteria: Ambry Variant Classification Scheme 2023. Collection method: clinical testing. Allele origin: germline.

3billion
Classification: Likely benign for Sulfite oxidase deficiency due to molybdenum cofactor deficiency type A. Last evaluated: 2024-09-20. Review status: criteria provided, single submitter. Criteria: ACMG Guidelines, 2015. Collection method: clinical testing. Allele origin: germline. Affected: no.
Comment: The homozygous variant was found in patients diagnosed with another variant in a different gene, with no symptoms related to the gene containing the homozygous variant.

Fulgent Genetics
Classification: Uncertain significance for Sulfite oxidase deficiency due to molybdenum cofactor deficiency type A. Last evaluated: 2024-03-20. Review status: criteria provided, single submitter. Criteria: ACMG Guidelines, 2015. Collection method: clinical testing. Allele origin: germline.

Labcorp Genetics (formerly Invitae), Labcorp
Classification: Uncertain significance for Sulfite oxidase deficiency due to molybdenum cofactor deficiency type A. Last evaluated: 2022-09-27. Review status: criteria provided, single submitter. Criteria: Invitae Variant Classification Sherloc (09022015). Collection method: clinical testing. Allele origin: germline.
Comment: This sequence change replaces arginine, which is basic and polar, with glutamine, which is neutral and polar, at codon 339 of the MOCS1 protein (p.Arg339Gln). This variant is present in population databases (rs142478972, gnomAD 0.09%). This variant has not been reported in the literature in individuals affected with MOCS1-related conditions. ClinVar contains an entry for this variant (Variation ID: 644407). Algorithms developed to predict the effect of missense changes on protein structure and function are either unavailable or do not agree on the potential impact of this missense change (SIFT: "Not Available"; PolyPhen-2: "Probably Damaging"; Align-GVGD: "Not Available"). Algorithms developed to predict the effect of sequence changes on RNA splicing suggest that this variant may create or strengthen a splice site. In summary, the available evidence is currently insufficient to determine the role of this variant in disease. Therefore, it has been classified as a Variant of Uncertain Significance.

Dr. Peter K. Rogan Lab, Western University
No classification provided (evidence only). Condition: Hepatocellular carcinoma. Review status: no classification provided. Collection method: in vitro. Allele origin: not applicable. Functional consequence: retained intron. Not counted in ClinVar's aggregate classification.

Dr. Peter K. Rogan Lab, Western University
No classification provided (evidence only). Condition: Glioma susceptibility 1. Review status: no classification provided. Collection method: in vitro. Allele origin: not applicable. Functional consequence: retained intron. Not counted in ClinVar's aggregate classification.